The following is an entry in ClinVar:

ClinVar aggregate classification (germline): Uncertain significance (1 of 4 stars; one submission).

Conditions:
Hereditary sensory and autonomic neuropathy type 6. Also called: HSAN VI; Neuropathy, hereditary sensory and autonomic, type VI. Identifiers: Orphanet 314381, MedGen C3539003, MONDO:0013839, OMIM 614653.
Epidermolysis bullosa simplex 3, localized or generalized intermediate, with BP230 deficiency (EBS3). Also called: Epidermolysis bullosa simplex, autosomal recessive 2; Epidermolysis bullosa simplex due to BP230 deficiency. Identifiers: Orphanet 412181, MedGen C3809470, MONDO:0014180, OMIM 615425.

gnomAD v4.1: 1 of 1,614,076 alleles (0.000062%); highest among the groups gnomAD compares: Non-Finnish European, 0.000085%; no homozygotes.

Submission:

Labcorp Genetics (formerly Invitae), Labcorp
Classification: Uncertain significance for Epidermolysis bullosa simplex 3, localized or generalized intermediate, with BP230 deficiency; Hereditary sensory and autonomic neuropathy type 6. Last evaluated: 2022-08-20. Review status: criteria provided, single submitter. Criteria: Invitae Variant Classification Sherloc (09022015). Collection method: clinical testing. Allele origin: germline.
Comment: This sequence change replaces alanine, which is neutral and non-polar, with glycine, which is neutral and non-polar, at codon 1226 of the DST protein (p.Ala1226Gly). This variant is present in population databases (no rsID available, gnomAD 0.0009%). This variant has not been reported in the literature in individuals affected with DST-related conditions. Algorithms developed to predict the effect of missense changes on protein structure and function are either unavailable or do not agree on the potential impact of this missense change (SIFT: "Tolerated"; PolyPhen-2: "Possibly Damaging"; Align-GVGD: "Class C0"). In summary, the available evidence is currently insufficient to determine the role of this variant in disease. Therefore, it has been classified as a Variant of Uncertain Significance.

NM_001723.7(DST):c.3677C>G (p.Ala1226Gly)

Gene: DST (dystonin; minus strand). Cytogenetic location: 6p12.1.
Variant type: single nucleotide variant.
Coding change: c.3677C>G on transcript NM_001723.7 (MANE Plus Clinical); coding-DNA position 3677, C replaced by G.
Protein change: p.Ala1226Gly; replaces alanine 1226 with glycine.
Molecular consequence: missense variant. On other transcripts: intron variant (10).
Genome position (GRCh38, 1-based): chr6:56,620,357, G>C on the plus strand (C>G on the coding strand, the complement: DST is on the minus strand). VCF-style: chr6-56620357-G-C. GRCh37 (hg19) VCF-style: chr6-56485155-G-C.
Other names: c.4830+4173C>G (NM_001144769.5); c.4929+4173C>G (NM_001374722.1, NM_001374736.1); c.4956+4173C>G (NM_001374734.1); c.4416+4173C>G (NM_001144770.2); c.4296+4173C>G (NM_001374730.1, NM_001386100.1, NM_183380.4 and 1 more transcripts); c.3318+4173C>G (NM_015548.5); short protein forms A1226G.
Identifiers: ClinVar variation 2116710 (VCV002116710.1), dbSNP rs1221133763, ClinGen allele CA364571385.
Genomic context (GRCh38, chr6:56,620,357, plus strand): 5'-GTGTTTTCCTCCAACTGATTGCGAAAATTCAGGAGGTTCTCTTCCACGGCAGCTCTTTTA[G>C]CCTCGGCCTCTATGGTGAGCTGCCTCACCCGCTCCAGTTCTCTTTCAGCGGCTTCCTTCT-3'
Protein context (NP_001714.1, residues 1216-1236): RVRQLTIEAE[Ala1226Gly]KRAAVEENLL